The following is an entry in ClinVar:

ClinVar aggregate classification (germline): Likely benign (0 of 4 stars; one submission).

Conditions:
PRRC2A-related disorder. Also called: PRRC2A-related condition.

Allele frequency attached by ClinVar (database versions not stated): gnomAD exomes below 0.00001.
gnomAD v4.1: 2 of 1,610,678 alleles (0.00012%); highest among the groups gnomAD compares: Non-Finnish European, 0.00017%; no homozygotes.

Submission:

PreventionGenetics, part of Exact Sciences
Classification: Likely benign for PRRC2A-related condition. Last evaluated: 2019-03-18. Review status: no assertion criteria provided. Collection method: clinical testing. Allele origin: germline.
Comment: This variant is classified as likely benign based on ACMG/AMP sequence variant interpretation guidelines (Richards et al. 2015 PMID: 25741868, with internal and published modifications).

NM_004638.4(PRRC2A):c.4775C>T (p.Pro1592Leu)

Gene: PRRC2A (proline rich coiled-coil 2A; plus strand). Cytogenetic location: 6p21.33.
Variant type: single nucleotide variant.
Coding change: c.4775C>T on transcript NM_004638.4 (MANE Select); coding-DNA position 4775, C replaced by T.
Protein change: p.Pro1592Leu; replaces proline 1592 with leucine.
Molecular consequence: missense variant.
Genome position (GRCh38, 1-based): chr6:31,634,291, C>T. VCF-style: chr6-31634291-C-T. GRCh37 (hg19) VCF-style: chr6-31602068-C-T.
Other names: c.4775C>T, p.Pro1592Leu (NM_080686.3); short protein forms P1592L.
Identifiers: ClinVar variation 3038226 (VCV003038226.2), dbSNP rs2533849320, ClinGen allele CA363360463.
Genomic context (GRCh38, chr6:31,634,291, plus strand): 5'-TGTAGGAATCTTTGCCACCTCCTCATAGCTCTGGATTCTTGGGCTCTAAGCCTGAGGGCC[C>T]AGGCCCTCAGGCAGAGTCCAGAGATACAGGCACAGAGGCCCTGACCCCTCACATCTGGAA-3'
Protein context (NP_004629.3, residues 1582-1602): SGFLGSKPEG[Pro1592Leu]GPQAESRDTG